The following is an entry in ClinVar:

NM_001927.4(DES):c.974G>C (p.Arg325Pro)

Gene: DES (desmin; plus strand). Cytogenetic location: 2q35.
Variant type: single nucleotide variant.
Coding change: c.974G>C on transcript NM_001927.4 (MANE Select); coding-DNA position 974, G replaced by C.
Protein change: p.Arg325Pro; replaces arginine 325 with proline.
Molecular consequence: missense variant. On other transcripts: intron variant (1).
Genome position (GRCh38, 1-based): chr2:219,420,904, G>C. VCF-style: chr2-219420904-G-C. GRCh37 (hg19) VCF-style: chr2-220285626-G-C.
Other names: c.971G>C, p.Arg324Pro (NM_001382708.1); c.974G>C, p.Arg325Pro (NM_001382710.1, NM_001382711.1, NM_001382712.1); c.704G>C, p.Arg235Pro (NM_001382713.1); c.735+558G>C (NM_001382709.1); short protein forms R235P, R324P, R325P.
Identifiers: ClinVar variation 4869720 (VCV004869720.1).

ClinVar aggregate classification (germline): Uncertain significance (1 of 4 stars; one submission).

Conditions:
Cardiovascular phenotype. Identifiers: MedGen CN230736.

Submission:

Ambry Genetics
Classification: Uncertain significance for Cardiovascular phenotype. Last evaluated: 2026-04-23. Review status: criteria provided, single submitter. Criteria: Ambry Variant Classification Scheme 2023. Collection method: clinical testing. Allele origin: germline.
Comment: The p.R325P variant (also known as c.974G>C), located in coding exon 5 of the DES gene, results from a G to C substitution at nucleotide position 974. The arginine at codon 325 is replaced by proline, an amino acid with dissimilar properties. This amino acid position is conserved. In addition, this alteration is predicted to be deleterious by in silico analysis. Based on the available evidence, the clinical significance of this variant remains unclear.